The following is an entry in ClinVar:

NM_005632.3(CAPN15):c.231T>C (p.Ala77=)

Gene: CAPN15 (calpain 15; plus strand). Cytogenetic location: 16p13.3.
Variant type: single nucleotide variant.
Coding change: c.231T>C on transcript NM_005632.3 (MANE Select); coding-DNA position 231, T replaced by C.
Protein change: p.Ala77=; no amino-acid change (alanine 77 retained).
Molecular consequence: synonymous variant.
Genome position (GRCh38, 1-based): chr16:547,069, T>C. VCF-style: chr16-547069-T-C. GRCh37 (hg19) VCF-style: chr16-597069-T-C.
Identifiers: ClinVar variation 3905837 (VCV003905837.10).

ClinVar aggregate classification (germline): Likely benign (1 of 4 stars; one submission).

gnomAD v4.1: 2 of 1,600,356 alleles (0.00012%); highest among the groups gnomAD compares: East Asian, 0.0023%; no homozygotes.

Submission:

CeGaT Center for Human Genetics Tuebingen
Classification: Likely benign. Last evaluated: 2025-05-01. Review status: criteria provided, single submitter. Criteria: CeGaT Center For Human Genetics Tuebingen Variant Classification Criteria Version 2. Collection method: clinical testing. Allele origin: germline. Affected: yes. Observed: 1 variant allele.
Comment: CAPN15: BP4, BP7